The following is an entry in ClinVar:

NM_001130987.2(DYSF):c.5311G>C (p.Glu1771Gln)

Gene: DYSF (dysferlin; plus strand). Cytogenetic location: 2p13.2.
Variant type: single nucleotide variant.
Coding change: c.5311G>C on transcript NM_001130987.2 (MANE Select); coding-DNA position 5311, G replaced by C.
Protein change: p.Glu1771Gln; replaces glutamic acid 1771 with glutamine.
Molecular consequence: missense variant.
Genome position (GRCh38, 1-based): chr2:71,665,298, G>C. VCF-style: chr2-71665298-G-C. GRCh37 (hg19) VCF-style: chr2-71892428-G-C.
Other names: c.5197G>C, p.Glu1733Gln (NM_001130455.2); c.5152G>C, p.Glu1718Gln (NM_001130976.2); c.5215G>C, p.Glu1739Gln (NM_001130977.2); c.5257G>C, p.Glu1753Gln (NM_001130978.2); c.5287G>C, p.Glu1763Gln (NM_001130979.2); c.5245G>C, p.Glu1749Gln (NM_001130980.2); c.5308G>C, p.Glu1770Gln (NM_001130981.2); c.5290G>C, p.Glu1764Gln (NM_001130982.2); and 5 more; short protein forms E1718Q, E1719Q, E1764Q, E1771Q, E1749Q, E1753Q, E1770Q, E1732Q.
Identifiers: ClinVar variation 871472 (VCV000871472.48), dbSNP rs762398889, ClinGen allele CA1707316.
Genomic context (GRCh38, chr2:71,665,298, plus strand): 5'-AAGGCACCTGTGTACCGGACAGACCGTGTAATGTTTCAGGATAAAGAATATTCCATTGAA[G>C]AGATAGGTGAGCTGCCACATGACCCCAAACCATGGTGGGCTCTCGCTGTATCCCTCCCTC-3'
Protein context (NP_001124459.1, residues 1761-1781): MFQDKEYSIE[Glu1771Gln]IEAGRIPNPH

ClinVar aggregate classification (germline): Uncertain significance. Review status: criteria provided, multiple submitters, no conflicts (2 of 4 stars). 3 submissions from 3 submitters: Uncertain significance (3). Last evaluated 2022-02-04.

Conditions:
Neuromuscular disease caused by qualitative or quantitative defects of dysferlin. Also called: Dysferlinopathy; Qualitative or quantitative defects of dysferlin. Identifiers: Orphanet 207073, MedGen C2931687, MONDO:0016145.

Allele frequency attached by ClinVar (database versions not stated): gnomAD 0.00001; ExAC 0.00002; gnomAD exomes 0.00002; TOPMed 0.00003.

Submissions (3):

Labcorp Genetics (formerly Invitae), Labcorp
Classification: Uncertain significance for Neuromuscular disease caused by qualitative or quantitative defects of dysferlin. Last evaluated: 2022-02-04. Review status: criteria provided, single submitter. Criteria: Invitae Variant Classification Sherloc (09022015). Collection method: clinical testing. Allele origin: germline.
Comment: This sequence change replaces glutamic acid, which is acidic and polar, with glutamine, which is neutral and polar, at codon 1732 of the DYSF protein (p.Glu1732Gln). This variant is present in population databases (rs762398889, gnomAD 0.003%). This missense change has been observed in individual(s) with clinical features of DYSF-related conditions (PMID: 18832576). ClinVar contains an entry for this variant (Variation ID: 871472). Advanced modeling of protein sequence and biophysical properties (such as structural, functional, and spatial information, amino acid conservation, physicochemical variation, residue mobility, and thermodynamic stability) performed at Invitae indicates that this missense variant is not expected to disrupt DYSF protein function. In summary, the available evidence is currently insufficient to determine the role of this variant in disease. Therefore, it has been classified as a Variant of Uncertain Significance.

Revvity Omics, Revvity
Classification: Uncertain significance. Last evaluated: 2020-07-08. Review status: criteria provided, single submitter. Criteria: ACMG Guidelines, 2015. Collection method: clinical testing. Allele origin: germline.

CeGaT Center for Human Genetics Tuebingen
Classification: Uncertain significance. Last evaluated: 2019-09-01. Review status: criteria provided, single submitter. Criteria: CeGaT Center For Human Genetics Tuebingen Variant Classification Criteria Version 2. Collection method: clinical testing. Allele origin: germline. Affected: yes. Observed: 1 variant allele.

Literature cited by the submitters: PubMed 18832576 (cited by Labcorp Genetics (formerly Invitae), Labcorp).